The following is an entry in ClinVar:

NM_000492.4(CFTR):c.1584+42C>A

Genes: CFTR (CF transmembrane conductance regulator; plus strand), CFTR-AS1 (CFTR antisense RNA 1; minus strand). Cytogenetic location: 7q31.2.
Variant type: single nucleotide variant.
Coding change: c.1584+42C>A on transcript NM_000492.4 (MANE Select); 42 bases into the intron after coding-DNA position 1584, C replaced by A.
Molecular consequence: intron variant.
Genome position (GRCh38, 1-based): chr7:117,559,697, C>A. VCF-style: chr7-117559697-C-A. GRCh37 (hg19) VCF-style: chr7-117199751-C-A.
Identifiers: ClinVar variation 3347621 (VCV003347621.1).

ClinVar aggregate classification (germline): Likely benign (0 of 4 stars; one submission).

Conditions:
CFTR-related disorder (CFTR-RD). Also called: CFTR-related disorders; CFTR-related condition. Identifiers: MedGen C5924204, MONDO:7770004.

Submission:

PreventionGenetics, part of Exact Sciences
Classification: Likely benign for CFTR-related condition. Last evaluated: 2024-09-03. Review status: no assertion criteria provided. Collection method: clinical testing. Allele origin: germline.
Comment: This variant is classified as likely benign based on ACMG/AMP sequence variant interpretation guidelines (Richards et al. 2015 PMID: 25741868, with internal and published modifications).